The following is an entry in ClinVar:

NM_005188.4(CBL):c.2250T>G (p.Phe750Leu)

Gene: CBL (Cbl proto-oncogene; plus strand). Cytogenetic location: 11q23.3.
Variant type: single nucleotide variant.
Coding change: c.2250T>G on transcript NM_005188.4 (MANE Select); coding-DNA position 2250, T replaced by G.
Protein change: p.Phe750Leu; replaces phenylalanine 750 with leucine.
Molecular consequence: missense variant.
Genome position (GRCh38, 1-based): chr11:119,297,480, T>G. VCF-style: chr11-119297480-T-G. GRCh37 (hg19) VCF-style: chr11-119168190-T-G.
Other names: short protein forms F750L.
Identifiers: ClinVar variation 3996049 (VCV003996049.1).
Genomic context (GRCh38, chr11:119,297,480, plus strand): 5'-GTATGAAGCAATGTATAATATTCAGTCCCAGGCGCCATCTATCACCGAGAGCAGCACCTT[T>G]GGTAAGTTGCCATTCTGCTACTTTAAAAATCATTGATATGTCATAGGAATGAACATGTAA-3'
Protein context (NP_005179.2, residues 740-760): QAPSITESST[Phe750Leu]GEGNLAAAHA

ClinVar aggregate classification (germline): Uncertain significance (1 of 4 stars; one submission).

Conditions:
Cardiovascular phenotype. Identifiers: MedGen CN230736.

Submission:

Ambry Genetics
Classification: Uncertain significance for Cardiovascular phenotype. Last evaluated: 2025-05-09. Review status: criteria provided, single submitter. Criteria: Ambry Variant Classification Scheme 2023. Collection method: clinical testing. Allele origin: germline.
Comment: The p.F750L variant (also known as c.2250T>G), located in coding exon 14 of the CBL gene, results from a T to G substitution at nucleotide position 2250. The phenylalanine at codon 750 is replaced by leucine, an amino acid with highly similar properties. This amino acid position is conserved. In addition, this alteration is predicted to be tolerated by in silico analysis. Based on the available evidence, the clinical significance of this variant remains unclear.